The following is an entry in ClinVar:

ClinVar aggregate classification (germline): Uncertain significance (1 of 4 stars; one submission).

gnomAD v4.1: 2 of 1,614,060 alleles (0.00012%); highest among the groups gnomAD compares: South Asian, 0.0011%; no homozygotes.

Submission:

Labcorp Genetics (formerly Invitae), Labcorp
Classification: Uncertain significance. Last evaluated: 2024-06-10. Review status: criteria provided, single submitter. Criteria: Invitae Variant Classification Sherloc (09022015). Collection method: clinical testing. Allele origin: germline.
Comment: This sequence change replaces lysine, which is basic and polar, with glutamic acid, which is acidic and polar, at codon 282 of the RNF13 protein (p.Lys282Glu). This variant is present in population databases (rs756736536, gnomAD 0.003%). This variant has not been reported in the literature in individuals affected with RNF13-related conditions. Advanced modeling of protein sequence and biophysical properties (such as structural, functional, and spatial information, amino acid conservation, physicochemical variation, residue mobility, and thermodynamic stability) performed at Invitae indicates that this missense variant is expected to disrupt RNF13 protein function with a positive predictive value of 80%. In summary, the available evidence is currently insufficient to determine the role of this variant in disease. Therefore, it has been classified as a Variant of Uncertain Significance.

NM_183381.3(RNF13):c.844A>G (p.Lys282Glu)

Gene: RNF13 (ring finger protein 13; plus strand). Cytogenetic location: 3q25.1.
Variant type: single nucleotide variant.
Coding change: c.844A>G on transcript NM_183381.3 (MANE Select); coding-DNA position 844, A replaced by G.
Protein change: p.Lys282Glu; replaces lysine 282 with glutamic acid.
Molecular consequence: missense variant. On other transcripts: non-coding transcript variant (1).
Genome position (GRCh38, 1-based): chr3:149,960,802, A>G. VCF-style: chr3-149960802-A-G. GRCh37 (hg19) VCF-style: chr3-149678589-A-G.
Other names: c.844A>G, p.Lys282Glu (NM_001378285.1, NM_001378286.1, NM_007282.4); c.487A>G, p.Lys163Glu (NM_001378287.1, NM_001378288.1, NM_001378289.1 and 2 more transcripts); c.451A>G, p.Lys151Glu (NM_001378291.1); short protein forms K151E, K282E, K163E.
Identifiers: ClinVar variation 3692428 (VCV003692428.2).
Genomic context (GRCh38, chr3:149,960,802, plus strand): 5'-TATCACTGCAAGTGTGTAGACCCTTGGCTAACTAAAACCAAAAAAACCTGTCCAGTGTGC[A>G]AGCAAAAAGTTGTTCCTTCTCAAGGCGATTCAGACTCTGACACAGACAGTAGTCAAGAAG-3'
Protein context (NP_899237.1, residues 272-292): TKTKKTCPVC[Lys282Glu]QKVVPSQGDS